The following is an entry in ClinVar:

NM_002474.3(MYH11):c.*610G>A

Genes: MYH11 (myosin heavy chain 11; minus strand), NDE1 (nudE neurodevelopment protein 1; plus strand). Cytogenetic location: 16p13.11.
Variant type: single nucleotide variant.
Coding change: c.*610G>A on transcript NM_002474.3 (MANE Select); 610 bases downstream of the stop codon, G replaced by A.
Molecular consequence: 3 prime UTR variant. On other transcripts: intron variant (2).
Genome position (GRCh38, 1-based): chr16:15,703,381, C>T on the plus strand (G>A on the coding strand, the complement: MYH11 is on the minus strand). VCF-style: chr16-15703381-C-T. GRCh37 (hg19) VCF-style: chr16-15797238-C-T.
Other names: c.*751G>A (NM_001040113.2, NM_022844.3); c.*610G>A (NM_001040114.2); c.947+6521C>T (NM_001143979.2, NM_017668.3).
Identifiers: ClinVar variation 887909 (VCV000887909.4), dbSNP rs189033300, ClinGen allele CA278582681.

ClinVar aggregate classification (germline): Likely benign (1 of 4 stars; one submission).

Conditions:
Aortic aneurysm, familial thoracic 4 (AAT4). Also called: AORTIC ANEURYSM/AORTIC DISSECTION AND PATENT DUCTUS ARTERIOSUS. Identifiers: MedGen C1851504, MONDO:0007568, OMIM 132900.

Allele frequency attached by ClinVar (database versions not stated): gnomAD exomes 0.00014; gnomAD 0.00019 and 0.00020; TOPMed 0.00031; 1000 Genomes Project 0.00100; 1000 Genomes Project 30x 0.00109.
gnomAD v4.1: 46 of 237,614 alleles (0.019%); highest among the groups gnomAD compares: Admixed American, 0.15%; no homozygotes.

Submission:

Illumina Laboratory Services, Illumina
Classification: Likely benign for Aortic aneurysm, familial thoracic 4. Last evaluated: 2018-01-13. Review status: criteria provided, single submitter. Criteria: ICSL Variant Classification Criteria 13 December 2019. Collection method: clinical testing. Allele origin: germline.
Comment: This variant was observed in the ICSL laboratory as part of a predisposition screen in an ostensibly healthy population. It had not been previously curated by ICSL or reported in the Human Gene Mutation Database (HGMD: prior to June 1st, 2018), and was therefore a candidate for classification through an automated scoring system. Utilizing variant allele frequency, disease prevalence and penetrance estimates, and inheritance mode, an automated score was calculated to assess if this variant is too frequent to cause the disease. Based on the score and internal cut-off values, a variant classified as likely benign is not then subjected to further curation. The score for this variant resulted in a classification of likely benign for this disease.